The following is an entry in ClinVar:

ClinVar aggregate classification (germline): Likely pathogenic (1 of 4 stars; one submission).

Submission:

GeneDx
Classification: Likely pathogenic. Last evaluated: 2018-05-08. Review status: criteria provided, single submitter. Criteria: GeneDx Variant Classification (06012015). Collection method: clinical testing. Allele origin: germline. Affected: yes.
Comment: The c.537+2T>A variant in the STX1B gene has not been reported previously as a pathogenic variant nor as a benign variant, to our knowledge. This splice site variant destroys the canonical splice donor site in intron 7. It is predicted to cause abnormal gene splicing, either leading to an abnormal message that is subject to nonsense-mediated mRNA decay, or to an abnormal protein product if the message is used for protein translation. The c.537+2T>A variant is not observed in large population cohorts (Lek et al., 2016). We interpret c.537+2T>A as a likely pathogenic variant.

NM_052874.5(STX1B):c.537+2T>A

Gene: STX1B (syntaxin 1B; minus strand). Cytogenetic location: 16p11.2.
Variant type: single nucleotide variant.
Coding change: c.537+2T>A on transcript NM_052874.5 (MANE Select); the canonical splice donor site of the intron after coding-DNA position 537, T replaced by A.
Molecular consequence: splice donor variant.
Genome position (GRCh38, 1-based): chr16:30,996,681, A>T on the plus strand (T>A on the coding strand, the complement: STX1B is on the minus strand). VCF-style: chr16-30996681-A-T. GRCh37 (hg19) VCF-style: chr16-31008002-A-T.
Identifiers: ClinVar variation 546180 (VCV000546180.2), dbSNP rs1555494222, ClinGen allele CA395648633.